The following is an entry in ClinVar:

ClinVar aggregate classification (germline): Conflicting classifications of pathogenicity. Review status: criteria provided, conflicting classifications (1 of 4 stars). 8 submissions from 7 submitters: Uncertain significance (7); Likely benign (1). Last evaluated 2025-12-07.

Conditions:
Cardiovascular phenotype. Identifiers: MedGen CN230736.
Hypobetalipoproteinemia. Identifiers: Orphanet 31154, MedGen C0020597, MONDO:0017774.
Familial hypercholesterolemia. Also called: Familial hypercholesterolemias; Familial hypercholesterolaemia. Identifiers: MedGen C0020445, MONDO:0005439.
Hypercholesterolemia, autosomal dominant, 3 (FHCL3). Also called: PCSK9-Related Familial Hypercholesterolemia, Autosomal Dominant; Familial hypercholesterolemia 3; Familial Hypercholesterolemia, Autosomal Dominant, 3. Identifiers: MedGen C1863551, MONDO:0011369, OMIM 603776.

Allele frequency attached by ClinVar (database versions not stated): ExAC 0.00007; ESP Exome Variant Server 0.00015; 1000 Genomes Project 30x 0.00016; gnomAD 0.00018 and 0.00020; TOPMed 0.00018; 1000 Genomes Project 0.00020.
gnomAD v4.1: 54 of 1,614,038 alleles (0.0033%); highest among the groups gnomAD compares: African/African-American, 0.037%; no homozygotes.

Submissions (8):

Ambry Genetics
Classification: Uncertain significance for Cardiovascular phenotype. Last evaluated: 2025-12-07. Review status: criteria provided, single submitter. Criteria: Ambry Variant Classification Scheme 2023. Collection method: clinical testing. Allele origin: germline.
Comment: The p.R167W variant (also known as c.499C>T), located in coding exon 3 of the PCSK9 gene, results from a C to T substitution at nucleotide position 499. The arginine at codon 167 is replaced by tryptophan, an amino acid with dissimilar properties. This alteration was observed in a whole exome sequencing study investigating individuals with elevated LDL-C levels; however, clinical details were limited (Lange LA et al. Am. J. Hum. Genet., 2014 Feb;94:233-45). This amino acid position is poorly conserved in available vertebrate species. In addition, this alteration is predicted to be tolerated by in silico analysis. Since supporting evidence is limited at this time, the clinical significance of this alteration remains unclear.

Labcorp Genetics (formerly Invitae), Labcorp
Classification: Likely benign for Hypercholesterolemia, autosomal dominant, 3. Last evaluated: 2025-11-01. Review status: criteria provided, single submitter. Criteria: Invitae Variant Classification Sherloc (09022015). Collection method: clinical testing. Allele origin: germline.

All of Us Research Program, National Institutes of Health
Classification: Uncertain significance for Hypercholesterolemia, autosomal dominant, 3. Last evaluated: 2024-08-06. Review status: criteria provided, single submitter. Criteria: ACMG Guidelines, 2015. Collection method: clinical testing. Allele origin: germline. Inheritance: Autosomal dominant inheritance. Observed: 18 variant alleles, 18 heterozygotes.
Comment: This missense variant replaces arginine with tryptophan at codon 167 of the PCSK9 protein. Computational prediction suggests that this variant may not impact protein structure and function (internally defined REVEL score threshold <= 0.5, PMID: 27666373). To our knowledge, functional studies have not been reported for this variant. This variant has not been reported in individuals affected with familial hypercholesterolemia in the literature. This variant has been identified in 19/282620 chromosomes in the general population by the Genome Aggregation Database (gnomAD). The available evidence is insufficient to determine the role of this variant in disease conclusively. Therefore, this variant is classified as a Variant of Uncertain Significance.

This study involves interpretation of variants in research participants for the purpose of population health screening. Participant phenotype was not available at the time of variant classification. Additional details can be found in publication PMID: 35346344, PMCID: PMC8962531

Color Diagnostics, LLC DBA Color Health
Classification: Uncertain significance for Familial hypercholesterolemia. Last evaluated: 2024-03-25. Review status: criteria provided, single submitter. Criteria: ACMG Guidelines, 2015. Collection method: clinical testing. Allele origin: germline.
Comment: This missense variant replaces arginine with tryptophan at codon 167 of the PCSK9 protein. Computational prediction tools indicate that this variant has a neutral impact on protein structure and function. To our knowledge, functional studies have not been reported for this variant. This variant has not been reported in individuals affected with PCSK9-related disorders in the literature. This variant has been identified in 19/282620 chromosomes in the general population by the Genome Aggregation Database (gnomAD). The available evidence is insufficient to determine the role of this variant in disease conclusively. Therefore, this variant is classified as a Variant of Uncertain Significance.

GeneDx
Classification: Uncertain significance. Last evaluated: 2023-08-03. Review status: criteria provided, single submitter. Criteria: GeneDx Variant Classification Process June 2021. Collection method: clinical testing. Allele origin: germline. Affected: yes.
Comment: Has not been previously published as pathogenic or benign to our knowledge; In silico analysis supports that this missense variant does not alter protein structure/function

Illumina Laboratory Services, Illumina
Classification: Uncertain significance for Hypercholesterolemia, autosomal dominant, 3. Last evaluated: 2017-04-28. Review status: criteria provided, single submitter. Criteria: ICSL Variant Classification Criteria 13 December 2019. Collection method: clinical testing. Allele origin: germline.

Illumina Laboratory Services, Illumina
Classification: Uncertain significance for Hypobetalipoproteinemia. Last evaluated: 2017-04-28. Review status: criteria provided, single submitter. Criteria: ICSL Variant Classification Criteria 13 December 2019. Collection method: clinical testing. Allele origin: germline.

Women's Health and Genetics/Laboratory Corporation of America, LabCorp
Classification: Uncertain significance. Last evaluated: 2016-08-12. Review status: criteria provided, single submitter. Criteria: LabCorp Variant Classification Summary - May 2015. Collection method: clinical testing. Allele origin: germline.
Comment: Variant summary: The PCSK9 c.499C>T (p.Arg167Trp) variant involves the alteration of a non-conserved nucleotide. 2/4 in silico tools predict a benign outcome for this variant (SNPs&GO not captured due to low reliability index). This variant was found in 9/120660 control chromosomes, predominantly observed in the African subpopulation at a frequency of 0.0004857 (5/10294). This frequency is about 5 times the estimated maximal expected allele frequency of a pathogenic PCSK9 variant (0.0000938), suggesting this is likely a benign polymorphism found primarily in the populations of African origin. The variant has been reported in the literature, without strong evidence for causality. Due to the absence of clinical and functional data, this variant is classified as VUS - possibly benign variant.

Literature cited by the submitters: PubMed 24507775 (cited by Ambry Genetics).

NM_174936.4(PCSK9):c.499C>T (p.Arg167Trp)

Gene: PCSK9 (proprotein convertase subtilisin/kexin type 9; plus strand). Cytogenetic location: 1p32.3.
Variant type: single nucleotide variant.
Coding change: c.499C>T on transcript NM_174936.4 (MANE Select); coding-DNA position 499, C replaced by T.
Protein change: p.Arg167Trp; replaces arginine 167 with tryptophan.
Molecular consequence: missense variant.
Genome position (GRCh38, 1-based): chr1:55,046,622, C>T. VCF-style: chr1-55046622-C-T. GRCh37 (hg19) VCF-style: chr1-55512295-C-T.
Other names: short protein forms R167W.
Identifiers: ClinVar variation 496560 (VCV000496560.21), dbSNP rs137878146, ClinGen allele CA042518.